The following is an entry in ClinVar:

NM_000218.3(KCNQ1):c.1514+3307del

Genes: KCNQ1 (potassium voltage-gated channel subfamily Q member 1; plus strand), KCNQ1OT1 (KCNQ1 opposite strand/antisense transcript 1; minus strand). Cytogenetic location: 11p15.5.
Variant type: Deletion.
Coding change: c.1514+3307del on transcript NM_000218.3 (MANE Select); 3307 bases into the intron after coding-DNA position 1514, one base deleted (C; older notation c.1514+3307delC).
Molecular consequence: intron variant.
Genome position (GRCh38, 1-based): chr11:2,665,388, C deleted; the last of 4 consecutive C bases (chr11:2,665,385-2,665,388); deleting any one gives the same sequence. VCF-style (leftmost placement, unchanged base first): chr11-2665384-AC-A. GRCh37 (hg19) VCF-style: chr11-2686614-AC-A.
Other names: c.1514+3307delC (NM_000218.2); c.1244+3307del (NM_001406837.1); c.1418+3307del (NM_001406836.1); c.974+3307del (NM_001406838.1); c.1133+3307del (NM_181798.2).
Identifiers: ClinVar variation 1879184 (VCV001879184.30), dbSNP rs568306051, ClinGen allele CA216174006.

ClinVar aggregate classification (germline): Benign. Review status: criteria provided, single submitter (1 of 4 stars). 2 submissions from 2 submitters: Benign (1). 1 of the submissions does not count toward it. Last evaluated 2026-02-01.

Conditions:
KCNQ1-related disorder. Also called: KCNQ1-related disorders; KCNQ1-related condition. Identifiers: MedGen CN239322.

Submissions (2):

CeGaT Center for Human Genetics Tuebingen
Classification: Benign. Last evaluated: 2026-02-01. Review status: criteria provided, single submitter. Criteria: CeGaT Center For Human Genetics Tuebingen Variant Classification Criteria Version 2. Collection method: clinical testing. Allele origin: germline. Affected: yes. Observed: 17 variant alleles.
Comment: KCNQ1OT1: BS1, BS2

PreventionGenetics, part of Exact Sciences
Classification: Likely benign for KCNQ1-related condition. Last evaluated: 2022-05-23. Review status: no assertion criteria provided. Collection method: clinical testing. Allele origin: germline. Not counted in ClinVar's aggregate classification.
Comment: This variant is classified as likely benign based on ACMG/AMP sequence variant interpretation guidelines (Richards et al. 2015 PMID: 25741868, with internal and published modifications).